The following is an entry in ClinVar:

ClinVar aggregate classification (germline): Likely pathogenic (1 of 4 stars; one submission).

Conditions:
Cardiovascular phenotype. Identifiers: MedGen CN230736.

Submission:

Ambry Genetics
Classification: Likely pathogenic for Cardiovascular phenotype. Last evaluated: 2025-03-13. Review status: criteria provided, single submitter. Criteria: Ambry Variant Classification Scheme 2023. Collection method: clinical testing. Allele origin: germline.
Comment: The c.514-2A>G intronic variant results from an A to G substitution two nucleotides before coding exon 3 in the LMNA gene. Alterations that disrupt the canonical splice site are expected to result in aberrant splicing. In silico splice site analysis predicts that this alteration will weaken the native splice acceptor site and will result in the creation or strengthening of a novel splice acceptor site. A resulting transcript is predicted to be in-frame and is not expected to trigger nonsense-mediated mRNAdecay; although, direct evidence is unavailable. However, the region predicted to be impacted is critical for protein function (Ambry internal data). This variant is considered to be rare based on population cohorts in the Genome Aggregation Database (gnomAD). This nucleotide position is highly conserved in available vertebrate species. Based on the majority of available evidence to date, this variant is likely to be pathogenic.

NM_170707.4(LMNA):c.514-2A>G

Gene: LMNA (lamin A/C; plus strand). Cytogenetic location: 1q22.
Variant type: single nucleotide variant.
Coding change: c.514-2A>G on transcript NM_170707.4 (MANE Select); the canonical splice acceptor site of the intron before coding-DNA position 514, A replaced by G.
Molecular consequence: splice acceptor variant.
Genome position (GRCh38, 1-based): chr1:156,134,401, A>G. VCF-style: chr1-156134401-A-G. GRCh37 (hg19) VCF-style: chr1-156104192-A-G.
Other names: c.514-2A>G (NM_001406983.1, NM_001282625.2, NM_001406984.1 and 6 more transcripts); c.-45-2A>G (NM_001407002.1, NM_001406993.1, NM_001407003.1 and 4 more transcripts); c.-151-2A>G (NM_001406999.1, NM_001407000.1, NM_001406994.1 and 1 more transcripts); c.271-2A>G (NM_001406986.1, NM_001406987.1, NM_001282624.2); c.178-2A>G (NM_001406989.1, NM_001257374.3, NM_001406998.1); c.217-2A>G (NM_001406988.1).
Identifiers: ClinVar variation 3867506 (VCV003867506.1).